The following is an entry in ClinVar:

NM_006031.6(PCNT):c.2661T>A (p.Asp887Glu)

Gene: PCNT (pericentrin; plus strand). Cytogenetic location: 21q22.3.
Variant type: single nucleotide variant.
Coding change: c.2661T>A on transcript NM_006031.6 (MANE Select); coding-DNA position 2661, T replaced by A.
Protein change: p.Asp887Glu; replaces aspartic acid 887 with glutamic acid.
Molecular consequence: missense variant.
Genome position (GRCh38, 1-based): chr21:46,366,635, T>A. VCF-style: chr21-46366635-T-A. GRCh37 (hg19) VCF-style: chr21-47786550-T-A.
Other names: c.2307T>A, p.Asp769Glu (NM_001315529.2); c.2661T>A (NM_006031.5); short protein forms D887E, D769E.
Identifiers: ClinVar variation 2873868 (VCV002873868.4), dbSNP rs771018462, ClinGen allele CA10079064.

ClinVar aggregate classification (germline): Uncertain significance. Review status: criteria provided, multiple submitters, no conflicts (2 of 4 stars). 2 submissions from 2 submitters: Uncertain significance (2). Last evaluated 2025-01-24.

Conditions:
Inborn genetic diseases. Identifiers: MedGen C0950123, MeSH D030342.

Allele frequency attached by ClinVar (database versions not stated): gnomAD exomes below 0.00001; ExAC 0.00001.
gnomAD v4.1: 1 of 1,613,888 alleles (0.000062%); highest among the groups gnomAD compares: Admixed American, 0.0017%; no homozygotes.

Submissions (2):

Ambry Genetics
Classification: Uncertain significance for Inborn genetic diseases. Last evaluated: 2025-01-24. Review status: criteria provided, single submitter. Criteria: Ambry Variant Classification Scheme 2023. Collection method: clinical testing. Allele origin: germline.

Labcorp Genetics (formerly Invitae), Labcorp
Classification: Uncertain significance. Last evaluated: 2024-01-29. Review status: criteria provided, single submitter. Criteria: Invitae Variant Classification Sherloc (09022015). Collection method: clinical testing. Allele origin: germline.
Comment: This sequence change replaces aspartic acid, which is acidic and polar, with glutamic acid, which is acidic and polar, at codon 887 of the PCNT protein (p.Asp887Glu). This variant is present in population databases (rs771018462, gnomAD 0.003%). This variant has not been reported in the literature in individuals affected with PCNT-related conditions. Algorithms developed to predict the effect of missense changes on protein structure and function output the following: SIFT: "Not Available"; PolyPhen-2: "Possibly Damaging"; Align-GVGD: "Not Available". The glutamic acid amino acid residue is found in multiple mammalian species, which suggests that this missense change does not adversely affect protein function. In summary, the available evidence is currently insufficient to determine the role of this variant in disease. Therefore, it has been classified as a Variant of Uncertain Significance.